The following is an entry in ClinVar:

ClinVar aggregate classification (germline): Conflicting classifications of pathogenicity. Review status: criteria provided, conflicting classifications (1 of 4 stars). 2 submissions from 2 submitters: Uncertain significance (1); Likely benign (1). Last evaluated 2024-07-06.

Allele frequency attached by ClinVar (database versions not stated): gnomAD exomes 0.00004; 1000 Genomes Project 30x 0.00016; ExAC 0.00016; 1000 Genomes Project 0.00020; gnomAD 0.00031; TOPMed 0.00036; ESP Exome Variant Server 0.00062.
gnomAD v4.1: 114 of 1,614,122 alleles (0.0071%); highest among the groups gnomAD compares: African/African-American, 0.12%; 1 homozygote.

Submissions (2):

Blueprint Genetics
Classification: Likely benign. Last evaluated: 2024-07-06. Review status: criteria provided, single submitter. Criteria: ACMG Guidelines, 2015. Collection method: clinical testing. Allele origin: germline.

Labcorp Genetics (formerly Invitae), Labcorp
Classification: Uncertain significance. Last evaluated: 2022-10-21. Review status: criteria provided, single submitter. Criteria: Invitae Variant Classification Sherloc (09022015). Collection method: clinical testing. Allele origin: germline.
Comment: This sequence change replaces glutamic acid, which is acidic and polar, with lysine, which is basic and polar, at codon 1817 of the DNAH9 protein (p.Glu1817Lys). This variant is present in population databases (rs149294395, gnomAD 0.2%). This variant has not been reported in the literature in individuals affected with DNAH9-related conditions. Advanced modeling of protein sequence and biophysical properties (such as structural, functional, and spatial information, amino acid conservation, physicochemical variation, residue mobility, and thermodynamic stability) performed at Invitae indicates that this missense variant is not expected to disrupt DNAH9 protein function. In summary, the available evidence is currently insufficient to determine the role of this variant in disease. Therefore, it has been classified as a Variant of Uncertain Significance.

NM_001372.4(DNAH9):c.5449G>A (p.Glu1817Lys)

Gene: DNAH9 (dynein axonemal heavy chain 9; plus strand). Cytogenetic location: 17p12.
Variant type: single nucleotide variant.
Coding change: c.5449G>A on transcript NM_001372.4 (MANE Select); coding-DNA position 5449, G replaced by A.
Protein change: p.Glu1817Lys; replaces glutamic acid 1817 with lysine.
Molecular consequence: missense variant.
Genome position (GRCh38, 1-based): chr17:11,705,082, G>A. VCF-style: chr17-11705082-G-A. GRCh37 (hg19) VCF-style: chr17-11608399-G-A.
Other names: short protein forms E1817K.
Identifiers: ClinVar variation 2051091 (VCV002051091.2), dbSNP rs149294395, ClinGen allele CA8396006.
Genomic context (GRCh38, chr17:11,705,082, plus strand): 5'-TAGGTAGACAATGCCCAGGCTTTCCTCTGGCTGTCTCAGCTGCGCCATCGTTGGGATGAC[G>A]AGGTCAAACACTGCTTTGCCAACATCTGTGATGCCCAGTTTTTGTATTCCTATGAGTACC-3'
Protein context (NP_001363.2, residues 1807-1827): LSQLRHRWDD[Glu1817Lys]VKHCFANICD